The following is an entry in ClinVar:

NM_014946.4(SPAST):c.1331A>G (p.Asp444Gly)

Gene: SPAST (spastin; plus strand). Cytogenetic location: 2p22.3.
Variant type: single nucleotide variant.
Coding change: c.1331A>G on transcript NM_014946.4 (MANE Select); coding-DNA position 1331, A replaced by G.
Protein change: p.Asp444Gly; replaces aspartic acid 444 with glycine.
Molecular consequence: missense variant.
Genome position (GRCh38, 1-based): chr2:32,136,886, A>G. VCF-style: chr2-32136886-A-G. GRCh37 (hg19) VCF-style: chr2-32361955-A-G.
Other names: c.1328A>G, p.Asp443Gly (NM_001363823.2); c.1232A>G, p.Asp411Gly (NM_001363875.2); c.1235A>G, p.Asp412Gly (NM_001377959.1, NM_199436.2); short protein forms D444G, D412G, D411G, D443G.
Identifiers: ClinVar variation 280383 (VCV000280383.4), dbSNP rs886041597, ClinGen allele CA10602853.
Genomic context (GRCh38, chr2:32,136,886, plus strand): 5'-ACTCACATAGCTTGGTCTTTAATTAAAGTCTTATACTTGTATTTCCTCTAGATGAAGTTG[A>G]TAGCCTTTTGTGTGAAAGAAGAGAAGGGGAGCACGATGCTAGTAGACGCCTAAAAACTGA-3'
Protein context (NP_055761.2, residues 434-454): QPSIIFIDEV[Asp444Gly]SLLCERREGE

ClinVar aggregate classification (germline): Conflicting classifications of pathogenicity. Review status: criteria provided, conflicting classifications (1 of 4 stars). 2 submissions from 2 submitters: Pathogenic (1); Uncertain significance (1). Last evaluated 2023-05-26.

Conditions:
Hereditary spastic paraplegia 4. Also called: Spastic paraplegia 4, autosomal dominant; Familial spastic paraplegia autosomal dominant 2; Spastic Paraplegia 4. Identifiers: Orphanet 100985, MedGen C1866855, MONDO:0008438, OMIM 182601.

Submissions (2):

Labcorp Genetics (formerly Invitae), Labcorp
Classification: Uncertain significance for Hereditary spastic paraplegia 4. Last evaluated: 2023-05-26. Review status: criteria provided, single submitter. Criteria: Invitae Variant Classification Sherloc (09022015). Collection method: clinical testing. Allele origin: germline.
Comment: In summary, the available evidence is currently insufficient to determine the role of this variant in disease. Therefore, it has been classified as a Variant of Uncertain Significance. This variant disrupts the p.Asp444 amino acid residue in SPAST. Other variant(s) that disrupt this residue have been observed in individuals with SPAST-related conditions (PMID: 26671083, 35082646), which suggests that this may be a clinically significant amino acid residue. This sequence change replaces aspartic acid, which is acidic and polar, with glycine, which is neutral and non-polar, at codon 444 of the SPAST protein (p.Asp444Gly). This variant is not present in population databases (gnomAD no frequency). This missense change has been observed in individual(s) with hereditary spastic paraplegia (PMID: 26671083). ClinVar contains an entry for this variant (Variation ID: 280383). Advanced modeling of protein sequence and biophysical properties (such as structural, functional, and spatial information, amino acid conservation, physicochemical variation, residue mobility, and thermodynamic stability) performed at Invitae indicates that this missense variant is expected to disrupt SPAST protein function.

GeneDx
Classification: Pathogenic. Last evaluated: 2016-07-07. Review status: criteria provided, single submitter. Criteria: GeneDx Variant Classification (06012015). Collection method: clinical testing. Allele origin: germline. Affected: yes.
Comment: The D444G variant has been reported previously in an individual with pure hereditary spastic paraplegia (Elert-Dobkowska et al., 2015). It was not observed in approximately 6,500 individuals of European and African Americanancestry in the NHLBI Exome Sequencing Project, indicating it is not a common benign variant in thesepopulations. The D444G variant is a non-conservative amino acid substitution, which is likely to impact secondaryprotein structure as these residues differ in polarity, charge, size and/or other properties. This substitution alters aconserved position in the AAA domain of the SPAST protein, which has been demonstrated to be an importantfunctional domain for microtubule disassembly (Errico et al., 2002; Solowska et al., 2015). Missense variants at thesame codon (D444E, D444N) as well as missense variants in neighboring codons (E442K, E442A, S445N, S445R)have been reported in the Human Gene Mutation Database in association with spastic paraplegia (Stenson et al.,2014), Additionally, in silico analysis predicts this variant is probably damaging to the protein structure/function.

Literature cited by the submitters: PubMed 26671083 (cited by Labcorp Genetics (formerly Invitae), Labcorp); PubMed 35082646 (cited by Labcorp Genetics (formerly Invitae), Labcorp).